The following is an entry in ClinVar:

NM_014423.4(AFF4):c.1559G>T (p.Gly520Val)

Gene: AFF4 (ALF transcription elongation factor 4; minus strand). Cytogenetic location: 5q31.1.
Variant type: single nucleotide variant.
Coding change: c.1559G>T on transcript NM_014423.4 (MANE Select); coding-DNA position 1559, G replaced by T.
Protein change: p.Gly520Val; replaces glycine 520 with valine.
Molecular consequence: missense variant.
Genome position (GRCh38, 1-based): chr5:132,897,071, C>A on the plus strand (G>T on the coding strand, the complement: AFF4 is on the minus strand). VCF-style: chr5-132897071-C-A. GRCh37 (hg19) VCF-style: chr5-132232763-C-A.
Other names: short protein forms G520V.
Identifiers: ClinVar variation 1979285 (VCV001979285.4), dbSNP rs758589934, ClinGen allele CA360939008.

ClinVar aggregate classification (germline): Uncertain significance (1 of 4 stars; one submission).

Conditions:
Cognitive impairment - coarse facies - heart defects - obesity - pulmonary involvement - short stature - skeletal dysplasia syndrome. Also called: AFF4-Related CHOPS Syndrome; COGNITIVE IMPAIRMENT, COARSE FACIES, HEART DEFECTS, OBESITY, PULMONARY INVOLVEMENT, SHORT STATURE, AND SKELETAL DYSPLASIA; Chops syndrome. Identifiers: Orphanet 444077, MedGen C4085597, MONDO:0014609, OMIM 616368.

Allele frequency attached by ClinVar (database versions not stated): TOPMed 0.00001; gnomAD exomes 0.00001.
gnomAD v4.1: 13 of 1,614,150 alleles (0.00081%); highest among the groups gnomAD compares: Non-Finnish European, 0.00093%; no homozygotes.

Submission:

Labcorp Genetics (formerly Invitae), Labcorp
Classification: Uncertain significance for Cognitive impairment - coarse facies - heart defects - obesity - pulmonary involvement - short stature - skeletal dysplasia syndrome. Last evaluated: 2024-12-16. Review status: criteria provided, single submitter. Criteria: Invitae Variant Classification Sherloc (09022015). Collection method: clinical testing. Allele origin: germline.
Comment: This sequence change replaces glycine, which is neutral and non-polar, with valine, which is neutral and non-polar, at codon 520 of the AFF4 protein (p.Gly520Val). This variant is present in population databases (no rsID available, gnomAD 0.0009%). This variant has not been reported in the literature in individuals affected with AFF4-related conditions. ClinVar contains an entry for this variant (Variation ID: 1979285). Invitae Evidence Modeling of protein sequence and biophysical properties (such as structural, functional, and spatial information, amino acid conservation, physicochemical variation, residue mobility, and thermodynamic stability) indicates that this missense variant is expected to disrupt AFF4 protein function with a positive predictive value of 80%. In summary, the available evidence is currently insufficient to determine the role of this variant in disease. Therefore, it has been classified as a Variant of Uncertain Significance.